The following is an entry in ClinVar:

NM_002067.5(GNA11):c.178C>T (p.Arg60Cys)

Gene: GNA11 (G protein subunit alpha 11; plus strand). Cytogenetic location: 19p13.3.
Variant type: single nucleotide variant.
Coding change: c.178C>T on transcript NM_002067.5 (MANE Select); coding-DNA position 178, C replaced by T.
Protein change: p.Arg60Cys; replaces arginine 60 with cysteine.
Molecular consequence: missense variant.
Genome position (GRCh38, 1-based): chr19:3,110,190, C>T. VCF-style: chr19-3110190-C-T. GRCh37 (hg19) VCF-style: chr19-3110188-C-T.
Other names: c.178C>T (NM_002067.2); short protein forms R60C.
Identifiers: ClinVar variation 60665 (VCV000060665.11), dbSNP rs587777021, ClinGen allele CA144607.

ClinVar aggregate classification (germline): Pathogenic/Likely pathogenic. Review status: criteria provided, multiple submitters, no conflicts (2 of 4 stars). 5 submissions from 5 submitters: Pathogenic (2); Likely pathogenic (2). 1 of the submissions does not count toward it. Last evaluated 2026-03-25.

Conditions:
Autosomal dominant hypocalcemia 2. Identifiers: Orphanet 2238, Orphanet 428, MedGen C3809243, MONDO:0014146, OMIM 615361.
GNA11-related disorders.
Familial hypocalciuric hypercalcemia 2. Also called: Hypocalciuric hypercalcemia, type II; FAMILIAL BENIGN HYPERCALCEMIA, TYPE II; Hypocalciuric hypercalcemia, familial, type II. Identifiers: Orphanet 101049, Orphanet 405, MedGen C1840347, MONDO:0007792, OMIM 145981.

Allele frequency attached by ClinVar (database versions not stated): gnomAD exomes below 0.00001.
gnomAD v4.1: 1 of 1,613,152 alleles (0.000062%); highest among the groups gnomAD compares: Non-Finnish European, 0.000085%; no homozygotes.

Submissions (5):

GeneDx
Classification: Likely pathogenic. Last evaluated: 2026-03-25. Review status: criteria provided, single submitter. Criteria: GeneDx Variant Classification Process June 2021. Collection method: clinical testing. Allele origin: germline.
Comment: Published functional studies suggest p.(R60C) is a gain of function variant that increases sensitivity to extracellular calcium and results in hypocalcemia (PMID: 28194446); Not observed at significant frequency in large population cohorts (gnomAD); In silico analysis supports that this missense variant has a deleterious effect on protein structure/function; This variant is associated with the following publications: (PMID: Silverberg2022[Abstract], Akad2024[Abstract], 41757505, 23802536, 28194446)

Labcorp Genetics (formerly Invitae), Labcorp
Classification: Likely pathogenic. Last evaluated: 2025-07-20. Review status: criteria provided, single submitter. Criteria: Invitae Variant Classification Sherloc (09022015). Collection method: clinical testing. Allele origin: germline.
Comment: This sequence change replaces arginine, which is basic and polar, with cysteine, which is neutral and slightly polar, at codon 60 of the GNA11 protein (p.Arg60Cys). This variant is not present in population databases (gnomAD no frequency). This missense change has been observed in individuals with clinical features of autosomal dominant hypocalcemia, type 2 (PMID: 23802536; internal data). It has also been observed to segregate with disease in related individuals. ClinVar contains an entry for this variant (Variation ID: 60665). Invitae Evidence Modeling of protein sequence and biophysical properties (such as structural, functional, and spatial information, amino acid conservation, physicochemical variation, residue mobility, and thermodynamic stability) indicates that this missense variant is expected to disrupt GNA11 protein function with a positive predictive value of 80%. Experimental studies have shown that this missense change affects GNA11 function (PMID: 28194446). In summary, the currently available evidence indicates that the variant is pathogenic, but additional data are needed to prove that conclusively. Therefore, this variant has been classified as Likely Pathogenic.

Blueprint Genetics
Classification: Pathogenic for GNA11-related disorders. Last evaluated: 2024-03-05. Review status: criteria provided, single submitter. Criteria: ACMG Guidelines, 2015. Collection method: clinical testing. Allele origin: germline. Affected: yes. Observed: 2 variant alleles.

Fulgent Genetics
Classification: Pathogenic for Familial hypocalciuric hypercalcemia 2; Autosomal dominant hypocalcemia 2. Last evaluated: 2021-09-21. Review status: criteria provided, single submitter. Criteria: ACMG Guidelines, 2015. Collection method: clinical testing. Allele origin: unknown.

OMIM
Classification: Pathogenic for HYPOCALCEMIA, AUTOSOMAL DOMINANT 2. Last evaluated: 2013-06-27. Review status: no assertion criteria provided. Collection method: literature only. Allele origin: germline. Not counted in ClinVar's aggregate classification.

Literature cited by the submitters: PubMed 23802536 (cited by Labcorp Genetics (formerly Invitae), Labcorp and OMIM); PubMed 28194446 (cited by Labcorp Genetics (formerly Invitae), Labcorp).